The following is an entry in ClinVar:

NC_000008.10:g.(?_100860984)_(100866504_?)del

Gene: VPS13B (vacuolar protein sorting 13 homolog B; plus strand). Cytogenetic location: 8q22.2.
Variant type: Deletion.
Identifiers: ClinVar variation 2426397 (VCV002426397.4).

ClinVar aggregate classification (germline): Pathogenic (1 of 4 stars; one submission).

Conditions:
Cohen syndrome (COH1). Also called: Cutis verticis gyrata, retinitis pigmentosa, and sensorineural deafness; PEPPER SYNDROME. Identifiers: Orphanet 193, MedGen C0265223, MONDO:0008999, OMIM 216550.

Submission:

Labcorp Genetics (formerly Invitae), Labcorp
Classification: Pathogenic for Cohen syndrome. Last evaluated: 2022-03-09. Review status: criteria provided, single submitter. Criteria: Invitae Variant Classification Sherloc (09022015). Collection method: clinical testing. Allele origin: germline.
Comment: For these reasons, this variant has been classified as Pathogenic. This variant has not been reported in the literature in individuals affected with VPS13B-related conditions. This variant is a gross deletion of the genomic region encompassing exon(s) 55-56 of the VPS13B gene. This deletion is out-of-frame, and is expected to create a premature termination codon and result in an absent or disrupted protein product. Loss-of-function variants in VPS13B are known to be pathogenic (PMID: 15141358, 16648375, 20461111).

Literature cited by the submitters: PubMed 15141358; PubMed 16648375; PubMed 20461111.